The following is an entry in ClinVar:

NM_001267550.2(TTN):c.69044C>T (p.Ala23015Val)

Genes: TTN (titin; minus strand), TTN-AS1 (TTN antisense RNA 1; plus strand). Cytogenetic location: 2q31.2.
Variant type: single nucleotide variant.
Coding change: c.69044C>T on transcript NM_001267550.2 (MANE Select); coding-DNA position 69044, C replaced by T.
Protein change: p.Ala23015Val; replaces alanine 23015 with valine.
Molecular consequence: missense variant.
Genome position (GRCh38, 1-based): chr2:178,577,291, G>A on the plus strand (C>T on the coding strand, the complement: TTN is on the minus strand). VCF-style: chr2-178577291-G-A. GRCh37 (hg19) VCF-style: chr2-179442018-G-A.
Other names: NC_000002.11:g.179442018G>A; c.64121C>T, p.Ala21374Val (NM_001256850.1); c.41849C>T, p.Ala13950Val (NM_003319.4); c.61340C>T, p.Ala20447Val (NM_133378.4); c.42224C>T, p.Ala14075Val (NM_133432.3); c.42425C>T, p.Ala14142Val (NM_133437.4); short protein forms A23015V, A21374V, A20447V, A13950V, A14142V, A14075V.
Identifiers: ClinVar variation 404970 (VCV000404970.13), dbSNP rs771710562, ClinGen allele CA1990999.

ClinVar aggregate classification (germline): Conflicting classifications of pathogenicity. Review status: criteria provided, conflicting classifications (1 of 4 stars). 6 submissions from 6 submitters: Uncertain significance (5); Likely benign (1). Last evaluated 2026-02-09.

Conditions:
TTN-related disorder. Also called: TTN-related disorders; TTN-related condition; TTN-related disease.
Autosomal recessive limb-girdle muscular dystrophy type 2J (LGMDR10). Also called: Limb-girdle muscular dystrophy, type 2J; MUSCULAR DYSTROPHY, LIMB-GIRDLE, AUTOSOMAL RECESSIVE 10. Identifiers: Orphanet 140922, MedGen C1837342, MONDO:0012127, OMIM 608807.
Dilated cardiomyopathy 1G (CMD1G). Identifiers: Orphanet 154, MedGen C1858763, MONDO:0011400, OMIM 604145.
Cardiovascular phenotype. Identifiers: MedGen CN230736.

Allele frequency attached by ClinVar (database versions not stated): TOPMed 0.00002; gnomAD 0.00003 and 0.00004; gnomAD exomes 0.00004; ExAC 0.00007.
gnomAD v4.1: 59 of 1,612,446 alleles (0.0037%); highest among the groups gnomAD compares: Non-Finnish European, 0.0042%; no homozygotes.

Submissions (7):

PreventionGenetics, part of Exact Sciences
Classification: Uncertain significance for TTN-related condition. Last evaluated: 2026-02-09. Review status: criteria provided, single submitter. Criteria: ACMG Guidelines, 2015. Collection method: clinical testing. Allele origin: germline.
Comment: The TTN c.69044C>T variant is predicted to result in the amino acid substitution p.Ala23015Val. To our knowledge, this variant has not been reported in the literature. This variant is reported in 0.0086% of alleles in individuals of European (Non-Finnish) descent in gnomAD. At this time, the clinical significance of this variant is uncertain due to the absence of conclusive functional and genetic evidence.

Women's Health and Genetics/Laboratory Corporation of America, LabCorp
Classification: Uncertain significance. Last evaluated: 2024-03-22. Review status: criteria provided, single submitter. Criteria: LabCorp Variant Classification Summary - May 2015. Collection method: clinical testing. Allele origin: germline.
Comment: Variant summary: TTN c.61340C>T (p.Ala20447Val) results in a non-conservative amino acid change located in the A-band region of the encoded protein sequence. Two of four in-silico tools predict a benign effect of the variant on protein function. The variant allele was found at a frequency of 4.4e-05 in 248356 control chromosomes (gnomAD v2.1). To our knowledge, no occurrence of c.61340C>T in individuals affected with Limb-Girdle Muscular Dystrophy, Type 2J and no experimental evidence demonstrating its impact on protein function have been reported. ClinVar contains an entry for this variant (Variation ID: 404970). Based on the evidence outlined above, the variant was classified as uncertain significance.

Ambry Genetics
Classification: Uncertain significance for Cardiovascular phenotype. Last evaluated: 2020-03-19. Review status: criteria provided, single submitter. Criteria: Ambry Variant Classification Scheme 2023. Collection method: clinical testing. Allele origin: germline.
Comment: The p.A13950V variant (also known as c.41849C>T), located in coding exon 151 of the TTN gene, results from a C to T substitution at nucleotide position 41849. The alanine at codon 13950 is replaced by valine, an amino acid with similar properties. This amino acid position is not well conserved in available vertebrate species. In addition, this alteration is predicted to be tolerated by in silico analysis. Since supporting evidence is limited at this time, the clinical significance of this alteration remains unclear.

Eurofins Ntd Llc (ga)
Classification: Uncertain significance. Last evaluated: 2018-07-10. Review status: criteria provided, single submitter. Criteria: EGL ClinVar v180209 classification definitions. Collection method: clinical testing. Allele origin: germline. Observed: 2 variant alleles, 2 heterozygotes.

Labcorp Genetics (formerly Invitae), Labcorp
Classification: Uncertain significance for Dilated cardiomyopathy 1G; Autosomal recessive limb-girdle muscular dystrophy type 2J. Last evaluated: 2017-10-05. Review status: criteria provided, single submitter. Criteria: Invitae Variant Classification Sherloc (09022015). Collection method: clinical testing. Allele origin: germline.

GeneDx
Classification: Likely benign. Last evaluated: 2017-07-28. Review status: criteria provided, single submitter. Criteria: GeneDx Variant Classification (06012015). Collection method: clinical testing. Allele origin: germline. Affected: yes.
Comment: This variant is considered likely benign or benign based on one or more of the following criteria: it is a conservative change, it occurs at a poorly conserved position in the protein, it is predicted to be benign by multiple in silico algorithms, and/or has population frequency not consistent with disease.

Dr. Peter K. Rogan Lab, Western University
No classification provided (evidence only). Condition: Malignant lymphoma, large B-cell, diffuse. Review status: no classification provided. Collection method: in vitro. Allele origin: not applicable. Functional consequence: retained intron. Not counted in ClinVar's aggregate classification.